The following is an entry in ClinVar:

NM_130384.3(ATRIP):c.1408A>G (p.Ile470Val)

Genes: ATRIP (ATR interacting protein; plus strand), ATRIP-TREX1 (ATRIP-TREX1 readthrough; plus strand). Cytogenetic location: 3p21.31.
Variant type: single nucleotide variant.
Coding change: c.1408A>G on transcript NM_130384.3 (MANE Select); coding-DNA position 1408, A replaced by G.
Protein change: p.Ile470Val; replaces isoleucine 470 with valine.
Molecular consequence: missense variant. On other transcripts: non-coding transcript variant (1).
Genome position (GRCh38, 1-based): chr3:48,460,462, A>G. VCF-style: chr3-48460462-A-G. GRCh37 (hg19) VCF-style: chr3-48501861-A-G.
Other names: c.1027A>G, p.Ile343Val (NM_001271022.2); c.1129A>G, p.Ile377Val (NM_001271023.2); c.1408A>G, p.Ile470Val (NM_032166.4); short protein forms I343V, I470V, I377V.
Identifiers: ClinVar variation 3810539 (VCV003810539.1).
Genomic context (GRCh38, chr3:48,460,462, plus strand): 5'-CCGACACATTCCTCCTGCGTGAGCTCTGGGGTAGAGACCAACCCTGAGGACTCAGTGTGC[A>G]TCCTGGAAGGCTTCTCTGTGACTGCACTTAGCATTCTTCAGCACCTGGTGTGCCACAGCG-3'
Protein context (NP_569055.1, residues 460-480): VETNPEDSVC[Ile470Val]LEGFSVTALS

ClinVar aggregate classification (germline): Uncertain significance (1 of 4 stars; one submission).

Submission:

Ambry Genetics
Classification: Uncertain significance. Last evaluated: 2025-02-07. Review status: criteria provided, single submitter. Criteria: Ambry Variant Classification Scheme 2023. Collection method: clinical testing. Allele origin: germline.
Comment: The p.I470V variant (also known as c.1408A>G), located in coding exon 8 of the ATRIP gene, results from an A to G substitution at nucleotide position 1408. The isoleucine at codon 470 is replaced by valine, an amino acid with highly similar properties. This amino acid position is conserved. In addition, this alteration is predicted to be tolerated by in silico analysis. Based on the available evidence, the clinical significance of this variant remains unclear.